The following is an entry in ClinVar:

ClinVar aggregate classification (germline): Uncertain significance (1 of 4 stars; one submission).

Submission:

GeneDx
Classification: Uncertain significance. Last evaluated: 2024-12-25. Review status: criteria provided, single submitter. Criteria: GeneDx Variant Classification Process June 2021. Collection method: clinical testing. Allele origin: germline. Affected: yes.
Comment: Not observed at significant frequency in large population cohorts (gnomAD); In silico analysis indicates that this missense variant does not alter protein structure/function; Has not been previously published as pathogenic or benign to our knowledge

NM_014991.6(WDFY3):c.5200G>A (p.Gly1734Ser)

Gene: WDFY3 (WD repeat and FYVE domain containing 3; minus strand). Cytogenetic location: 4q21.23.
Variant type: single nucleotide variant.
Coding change: c.5200G>A on transcript NM_014991.6 (MANE Select); coding-DNA position 5200, G replaced by A.
Protein change: p.Gly1734Ser; replaces glycine 1734 with serine.
Molecular consequence: missense variant.
Genome position (GRCh38, 1-based): chr4:84,757,150, C>T on the plus strand (G>A on the coding strand, the complement: WDFY3 is on the minus strand). VCF-style: chr4-84757150-C-T. GRCh37 (hg19) VCF-style: chr4-85678303-C-T.
Other names: short protein forms G1734S.
Identifiers: ClinVar variation 3907913 (VCV003907913.1).
Genomic context (GRCh38, chr4:84,757,150, plus strand): 5'-GAAAATGACAAGCATCTCGGTTAATCTCCCTGACCGTCGATCTCCCACCAGCACTTCTGC[C>T]CACGTTGAATCCTAAGAGAAGAGGAATATAACAGTAAGTGCAAAATCAGCAACTGATAAA-3'
Protein context (NP_055806.2, residues 1724-1744): KIGTVLGFNV[Gly1734Ser]RSAGGRSTVR